The following is an entry in ClinVar:

NM_012186.3(FOXE3):c.854C>T (p.Pro285Leu)

Genes: FOXE3 (forkhead box E3; plus strand), LINC01389 (long independently transcribed non-coding RNA 1389; minus strand). Cytogenetic location: 1p33.
Variant type: single nucleotide variant.
Coding change: c.854C>T on transcript NM_012186.3 (MANE Select); coding-DNA position 854, C replaced by T.
Protein change: p.Pro285Leu; replaces proline 285 with leucine.
Molecular consequence: missense variant.
Genome position (GRCh38, 1-based): chr1:47,417,169, C>T. VCF-style: chr1-47417169-C-T. GRCh37 (hg19) VCF-style: chr1-47882841-C-T.
Other names: short protein forms P285L.
Identifiers: ClinVar variation 1007221 (VCV001007221.9), dbSNP rs1184373895, ClinGen allele CA340250856.

ClinVar aggregate classification (germline): Uncertain significance (1 of 4 stars; one submission).

Conditions:
Congenital primary aphakia. Also called: Anterior segment dysgenesis 2, multiple subtypes; ANTERIOR SEGMENT DYSGENESIS 2. Identifiers: Orphanet 83461, MedGen C1853230, MONDO:0012456, OMIM 610256.
Anterior segment dysgenesis. Also called: Ocular anterior segment dysgenesis. Identifiers: Orphanet 88632, MedGen C1862839, MONDO:0019503, HP:0007700.

Submission:

Labcorp Genetics (formerly Invitae), Labcorp
Classification: Uncertain significance for Anterior segment dysgenesis; Congenital primary aphakia. Last evaluated: 2025-09-08. Review status: criteria provided, single submitter. Criteria: Invitae Variant Classification Sherloc (09022015). Collection method: clinical testing. Allele origin: germline.
Comment: This sequence change replaces proline, which is neutral and non-polar, with leucine, which is neutral and non-polar, at codon 285 of the FOXE3 protein (p.Pro285Leu). This variant is not present in population databases (gnomAD no frequency). This variant has not been reported in the literature in individuals affected with FOXE3-related conditions. ClinVar contains an entry for this variant (Variation ID: 1007221). An algorithm developed to predict the effect of missense changes on protein structure and function (PolyPhen-2) suggests that this variant is likely to be disruptive. In summary, the available evidence is currently insufficient to determine the role of this variant in disease. Therefore, it has been classified as a Variant of Uncertain Significance.